The following is an entry in ClinVar:

ClinVar aggregate classification (germline): Uncertain significance. Review status: criteria provided, multiple submitters, no conflicts (2 of 4 stars). 2 submissions from 2 submitters: Uncertain significance (2). Last evaluated 2025-05-13.

Conditions:
Cardiomyopathy (CMYO). Also called: Cardiomyopathies. Identifiers: Orphanet 167848, MedGen C0878544, MONDO:0004994, HP:0001638. Inheritance: Various modes of inheritance.
Hypertrophic cardiomyopathy. Also called: HYPERTROPHIC MYOCARDIOPATHY. Identifiers: Orphanet 217569, MedGen C0007194, MeSH D002312, MONDO:0005045, HP:0001639.

Allele frequency attached by ClinVar (database versions not stated): gnomAD exomes below 0.00001 and 0.00001.
gnomAD v4.1: 5 of 1,614,250 alleles (0.00031%); highest among the groups gnomAD compares: Non-Finnish European, 0.00042%; no homozygotes.

Submissions (2):

Labcorp Genetics (formerly Invitae), Labcorp
Classification: Uncertain significance for Hypertrophic cardiomyopathy. Last evaluated: 2025-05-13. Review status: criteria provided, single submitter. Criteria: Invitae Variant Classification Sherloc (09022015). Collection method: clinical testing. Allele origin: germline.
Comment: This sequence change replaces lysine, which is basic and polar, with arginine, which is basic and polar, at codon 951 of the MYH7 protein (p.Lys951Arg). This variant is present in population databases (no rsID available, gnomAD 0.0009%). This variant has not been reported in the literature in individuals affected with MYH7-related conditions. ClinVar contains an entry for this variant (Variation ID: 663035). Invitae Evidence Modeling of protein sequence and biophysical properties (such as structural, functional, and spatial information, amino acid conservation, physicochemical variation, residue mobility, and thermodynamic stability) indicates that this missense variant is expected to disrupt MYH7 protein function with a positive predictive value of 95%. In summary, the available evidence is currently insufficient to determine the role of this variant in disease. Therefore, it has been classified as a Variant of Uncertain Significance.

Color Diagnostics, LLC DBA Color Health
Classification: Uncertain significance for Cardiomyopathy. Last evaluated: 2024-03-06. Review status: criteria provided, single submitter. Criteria: ACMG Guidelines, 2015. Collection method: clinical testing. Allele origin: germline.
Comment: This missense variant replaces lysine with arginine at codon 951 of the MYH7 protein. Computational prediction is inconclusive regarding the impact of this variant on protein structure and function (internally defined REVEL score threshold 0.5 < inconclusive < 0.7, PMID: 27666373). To our knowledge, functional studies have not been reported for this variant. This variant has not been reported in individuals affected with cardiovascular disorders in the literature. This variant has been identified in 2/251492 chromosomes in the general population by the Genome Aggregation Database (gnomAD). The available evidence is insufficient to determine the role of this variant in disease conclusively. Therefore, this variant is classified as a Variant of Uncertain Significance.

NM_000257.4(MYH7):c.2852A>G (p.Lys951Arg)

Gene: MYH7 (myosin heavy chain 7; minus strand). Cytogenetic location: 14q11.2.
Variant type: single nucleotide variant.
Coding change: c.2852A>G on transcript NM_000257.4 (MANE Select); coding-DNA position 2852, A replaced by G.
Protein change: p.Lys951Arg; replaces lysine 951 with arginine.
Molecular consequence: missense variant.
Genome position (GRCh38, 1-based): chr14:23,423,977, T>C on the plus strand (A>G on the coding strand, the complement: MYH7 is on the minus strand). VCF-style: chr14-23423977-T-C. GRCh37 (hg19) VCF-style: chr14-23893186-T-C.
Other names: short protein forms K951R.
Identifiers: ClinVar variation 663035 (VCV000663035.12), dbSNP rs1230261713, ClinGen allele CA389046822.